The following is an entry in ClinVar:

Conditions:
Long QT syndrome 5 (LQT5). Identifiers: Orphanet 101016, Orphanet 768, MedGen C1867904, MONDO:0013372, OMIM 613695.

Submission:

Roden Lab, Vanderbilt University Medical Center
No classification provided (evidence only). Condition: Long QT syndrome 5. Review status: no classification provided. Collection method: in vitro. Allele origin: not applicable. Functional consequence: Effect on ion channel function.
ClinVar note: "not provided" was previously submitted as the classification for the variant. However, the classification appeared to be based only on an observation of functional data so it was converted to no classification on 2025-07-30.

NM_000219.6(KCNE1):c.263A>G (p.Gln88Arg)

Gene: KCNE1 (potassium voltage-gated channel subfamily E regulatory subunit 1; minus strand). Cytogenetic location: 21q22.12.
Variant type: single nucleotide variant.
Coding change: c.263A>G on transcript NM_000219.6 (MANE Select); coding-DNA position 263, A replaced by G.
Protein change: p.Gln88Arg; replaces glutamine 88 with arginine.
Molecular consequence: missense variant.
Genome position (GRCh38, 1-based): chr21:34,449,372, T>C on the plus strand (A>G on the coding strand, the complement: KCNE1 is on the minus strand). VCF-style: chr21-34449372-T-C. GRCh37 (hg19) VCF-style: chr21-35821670-T-C.
Other names: c.263A>G, p.Gln88Arg (NM_001127668.4, NM_001127669.4, NM_001127670.4 and 4 more transcripts); short protein forms Q88R.
Identifiers: ClinVar variation 3374475 (VCV003374475.2).